The following is an entry in ClinVar:

NM_031885.5(BBS2):c.898G>T (p.Asp300Tyr)

Gene: BBS2 (Bardet-Biedl syndrome 2; minus strand). Cytogenetic location: 16q13.
Variant type: single nucleotide variant.
Coding change: c.898G>T on transcript NM_031885.5 (MANE Select); coding-DNA position 898, G replaced by T.
Protein change: p.Asp300Tyr; replaces aspartic acid 300 with tyrosine.
Molecular consequence: missense variant. On other transcripts: non-coding transcript variant (5).
Genome position (GRCh38, 1-based): chr16:56,502,715, C>A on the plus strand (G>T on the coding strand, the complement: BBS2 is on the minus strand). VCF-style: chr16-56502715-C-A. GRCh37 (hg19) VCF-style: chr16-56536627-C-A.
Other names: c.898G>T (NM_031885.3); c.898G>T, p.Asp300Tyr (NM_001377456.1); short protein forms D300Y.
Identifiers: ClinVar variation 2186677 (VCV002186677.2), dbSNP rs776115321, ClinGen allele CA8065888.

ClinVar aggregate classification (germline): Uncertain significance. Review status: criteria provided, single submitter (1 of 4 stars). 2 submissions from 2 submitters: Uncertain significance (1). 1 of the submissions does not count toward it. Last evaluated 2022-01-13.

Conditions:
BBS2-related disorder. Also called: BBS2-related condition; BBS2-related disorders. Identifiers: MedGen CN239228.
Bardet-Biedl syndrome (BBS). Identifiers: Orphanet 110, MedGen C0752166, MONDO:0015229.

Allele frequency attached by ClinVar (database versions not stated): ExAC 0.00001; gnomAD 0.00001; gnomAD exomes 0.00001; TOPMed 0.00001.
gnomAD v4.1: 4 of 1,614,058 alleles (0.00025%); highest among the groups gnomAD compares: Admixed American, 0.0033%; no homozygotes.

Submissions (2):

Labcorp Genetics (formerly Invitae), Labcorp
Classification: Uncertain significance for Bardet-Biedl syndrome. Last evaluated: 2022-01-13. Review status: criteria provided, single submitter. Criteria: Invitae Variant Classification Sherloc (09022015). Collection method: clinical testing. Allele origin: germline.
Comment: This sequence change replaces aspartic acid, which is acidic and polar, with tyrosine, which is neutral and polar, at codon 300 of the BBS2 protein (p.Asp300Tyr). This variant is present in population databases (rs776115321, gnomAD 0.006%). This variant has not been reported in the literature in individuals affected with BBS2-related conditions. Algorithms developed to predict the effect of missense changes on protein structure and function (SIFT, PolyPhen-2, Align-GVGD) all suggest that this variant is likely to be disruptive. Algorithms developed to predict the effect of sequence changes on RNA splicing suggest that this variant may create or strengthen a splice site. In summary, the available evidence is currently insufficient to determine the role of this variant in disease. Therefore, it has been classified as a Variant of Uncertain Significance.

PreventionGenetics, part of Exact Sciences
Classification: Uncertain significance for BBS2-related condition. Last evaluated: 2024-08-19. Review status: no assertion criteria provided. Collection method: clinical testing. Allele origin: germline. Not counted in ClinVar's aggregate classification.
Comment: The BBS2 c.898G>T variant is predicted to result in the amino acid substitution p.Asp300Tyr. To our knowledge, this variant has not been reported in the literature. This variant is reported in 0.0056% of alleles in individuals of Latino descent in gnomAD. At this time, the clinical significance of this variant is uncertain due to the absence of conclusive functional and genetic evidence.